The following is an entry in ClinVar:

ClinVar aggregate classification (germline): Pathogenic/Likely pathogenic. Review status: criteria provided, multiple submitters, no conflicts (2 of 4 stars). 4 submissions from 4 submitters: Pathogenic (2); Likely pathogenic (1). 1 of the submissions does not count toward it. Last evaluated 2025-04-19.

Conditions:
FIG4-related disorder. Also called: FIG4-related condition; FIG4-related disorders.
Charcot-Marie-Tooth disease type 4. Also called: Charcot-Marie-Tooth disease, type IV; Charcot-Marie-Tooth, Type 4. Identifiers: Orphanet 64749, MedGen C4082197, MONDO:0018995.
Charcot-Marie-Tooth disease type 4J (CMT4J). Also called: Charcot-Marie-Tooth Neuropathy Type 4J; CHARCOT-MARIE-TOOTH DISEASE, AUTOSOMAL RECESSIVE, TYPE 4J; CHARCOT-MARIE-TOOTH DISEASE, DEMYELINATING, TYPE 4J. Identifiers: Orphanet 139515, MedGen C1970011, MONDO:0012640, OMIM 611228.

Submissions (4):

Labcorp Genetics (formerly Invitae), Labcorp
Classification: Pathogenic for Charcot-Marie-Tooth disease type 4. Last evaluated: 2025-04-19. Review status: criteria provided, single submitter. Criteria: Invitae Variant Classification Sherloc (09022015). Collection method: clinical testing. Allele origin: germline.
Comment: This sequence change creates a premature translational stop signal (p.Thr556Asnfs*21) in the FIG4 gene. It is expected to result in an absent or disrupted protein product. Loss-of-function variants in FIG4 are known to be pathogenic (PMID: 23623387, 30740813). This variant is present in population databases (rs772320287, gnomAD 0.002%). This premature translational stop signal has been observed in individuals with autosomal recessive Charcot-Marie-Tooth disease (PMID: 21705420). ClinVar contains an entry for this variant (Variation ID: 355040). For these reasons, this variant has been classified as Pathogenic.

Athena Diagnostics
Classification: Pathogenic. Last evaluated: 2019-07-16. Review status: criteria provided, single submitter. Criteria: Athena Diagnostics Criteria. Collection method: clinical testing. Allele origin: germline.
Comment: The variant results in a shift of the reading frame, and is therefore predicted to result in the loss of a functional protein. Found in at least one symptomatic patient, and found in general population data that is consistent with pathogenicity.

Illumina Laboratory Services, Illumina
Classification: Likely pathogenic for FIG4-Related Disorders. Last evaluated: 2016-06-14. Review status: criteria provided, single submitter. Criteria: ICSL Variant Classification 20161018. Collection method: clinical testing. Allele origin: germline.
Comment: The c.1666dup (p.Thr556AsnfsTer20) results in a frameshift, and is predicted to result in premature termination of the protein. The p.Thr556AsnfsTer20 variant has been reported in one study in two patients with Charcot-Marie-Tooth disease in a compound heterozygous state with a missense variant (Nicholson et al. 2011). No publications were found for this variant in relation to autosomal dominant amyotrophic lateral sclerosis. The p.Thr556AsnfsTer20 variant was absent from 206 controls and is not found in the 1000 Genomes Project, the Exome Sequencing Project, or the Exome Aggregation Consortium. Due to the potential impact of frameshift variants, the p.Thr556AsnfsTer20 variant is classified as likely pathogenic for FIG4-related disorders.

Inherited Neuropathy Consortium Ii, University Of Miami
Classification: Uncertain significance for Charcot-Marie-Tooth disease type 4J. Last evaluated: 2016-01-06. Review status: no assertion criteria provided. Collection method: literature only. Allele origin: germline. Affected: yes. Not counted in ClinVar's aggregate classification.

Literature cited by the submitters: PubMed 23623387 (cited by Labcorp Genetics (formerly Invitae), Labcorp); PubMed 30740813 (cited by Labcorp Genetics (formerly Invitae), Labcorp); PubMed 21705420 (cited by 4 submitters).

NM_014845.6(FIG4):c.1666dup (p.Thr556fs)

Gene: FIG4 (FIG4 phosphoinositide 5-phosphatase; plus strand). Cytogenetic location: 6q21.
Variant type: Duplication.
Coding change: c.1666dup on transcript NM_014845.6 (MANE Select); coding-DNA position 1666, one base duplicated (A; older notation c.1666dupA).
Protein change: p.Thr556fs; shifts the reading frame from threonine 556.
Molecular consequence: frameshift variant.
Genome position (GRCh38, 1-based): chr6:109,766,811, A duplicated; the last of 4 consecutive A bases (chr6:109,766,808-109,766,811); duplicating any one gives the same sequence. VCF-style (leftmost placement, unchanged base first): chr6-109766807-G-GA. GRCh37 (hg19) VCF-style: chr6-110088010-G-GA.
Other names: c.1666dupA (NM_014845.5); short protein forms T556fs.
Identifiers: ClinVar variation 355040 (VCV000355040.17), dbSNP rs772320287, ClinGen allele CA3956154.